The following is an entry in ClinVar:

NM_022114.4(PRDM16):c.885-5C>T

Gene: PRDM16 (PR/SET domain 16; plus strand). Cytogenetic location: 1p36.32.
Variant type: single nucleotide variant.
Coding change: c.885-5C>T on transcript NM_022114.4 (MANE Select); 5 bases into the intron before coding-DNA position 885, C replaced by T.
Molecular consequence: intron variant.
Genome position (GRCh38, 1-based): chr1:3,404,734, C>T. VCF-style: chr1-3404734-C-T. GRCh37 (hg19) VCF-style: chr1-3321298-C-T.
Other names: c.885-5C>T (NM_199454.3).
Identifiers: ClinVar variation 391408 (VCV000391408.13), dbSNP rs374596243, ClinGen allele CA544019.

ClinVar aggregate classification (germline): Likely benign. Review status: criteria provided, multiple submitters, no conflicts (2 of 4 stars). 4 submissions from 4 submitters: Likely benign (4). Last evaluated 2025-05-23.

Conditions:
Left ventricular noncompaction 8 (LVNC8). Identifiers: Orphanet 154, Orphanet 54260, MedGen C3809288, MONDO:0014152, OMIM 615373.

Allele frequency attached by ClinVar (database versions not stated): gnomAD exomes 0.00002; ExAC 0.00004; gnomAD 0.00004 and 0.00005; TOPMed 0.00006; ESP Exome Variant Server 0.00008; 1000 Genomes Project 0.00020; 1000 Genomes Project 30x 0.00031.
gnomAD v4.1: 33 of 1,613,086 alleles (0.002%); highest among the groups gnomAD compares: African/African-American, 0.021%; no homozygotes.

Submissions (4):

Women's Health and Genetics/Laboratory Corporation of America, LabCorp
Classification: Likely benign. Last evaluated: 2025-05-23. Review status: criteria provided, single submitter. Criteria: LabCorp Variant Classification Summary - May 2015. Collection method: clinical testing. Allele origin: germline.

Labcorp Genetics (formerly Invitae), Labcorp
Classification: Likely benign for Left ventricular noncompaction 8. Last evaluated: 2024-10-27. Review status: criteria provided, single submitter. Criteria: Invitae Variant Classification Sherloc (09022015). Collection method: clinical testing. Allele origin: germline.

Blueprint Genetics
Classification: Likely benign. Last evaluated: 2024-10-25. Review status: criteria provided, single submitter. Criteria: ACMG Guidelines, 2015. Collection method: clinical testing. Allele origin: germline.

GeneDx
Classification: Likely benign. Last evaluated: 2017-11-06. Review status: criteria provided, single submitter. Criteria: GeneDx Variant Classification (06012015). Collection method: clinical testing. Allele origin: germline. Affected: yes.
Comment: This variant is considered likely benign or benign based on one or more of the following criteria: it is a conservative change, it occurs at a poorly conserved position in the protein, it is predicted to be benign by multiple in silico algorithms, and/or has population frequency not consistent with disease.